The following is an entry in ClinVar:

NM_006939.4(SOS2):c.2396C>T (p.Pro799Leu)

Gene: SOS2 (SOS Ras/Rho guanine nucleotide exchange factor 2; minus strand). Cytogenetic location: 14q21.3.
Variant type: single nucleotide variant.
Coding change: c.2396C>T on transcript NM_006939.4 (MANE Select); coding-DNA position 2396, C replaced by T.
Protein change: p.Pro799Leu; replaces proline 799 with leucine.
Molecular consequence: missense variant.
Genome position (GRCh38, 1-based): chr14:50,145,585, G>A on the plus strand (C>T on the coding strand, the complement: SOS2 is on the minus strand). VCF-style: chr14-50145585-G-A. GRCh37 (hg19) VCF-style: chr14-50612303-G-A.
Other names: short protein forms P799L.
Identifiers: ClinVar variation 567315 (VCV000567315.14), dbSNP rs773672997, ClinGen allele CA7177034.
Genomic context (GRCh38, chr14:50,145,585, plus strand): 5'-AAATTTGGAGAATTTATTTCTTTATCTTCTTTGGTCCACACACTCCCTACAAGTTCAGAC[G>A]GTTGAACTTTCCTATGGAATTGAAAATCAGTGCAACTTAACCTATAAAGGATTTGTATTA-3'
Protein context (NP_008870.2, residues 789-809): LESDLYRKVQ[Pro799Leu]SELVGSVWTK

ClinVar aggregate classification (germline): Uncertain significance. Review status: criteria provided, multiple submitters, no conflicts (2 of 4 stars). 5 submissions from 5 submitters: Uncertain significance (4). 1 of the submissions does not count toward it. Last evaluated 2025-08-18.

Conditions:
Noonan syndrome 1 (NS1). Also called: FEMALE PSEUDO-TURNER SYNDROME; PTPN11-Related Noonan Syndrome; TURNER PHENOTYPE WITH NORMAL KARYOTYPE. Identifiers: Orphanet 648, MedGen C4551602, MONDO:0008104, OMIM 163950. Disease mechanism: gain of function.
Cardiovascular phenotype. Identifiers: MedGen CN230736.
Noonan syndrome 9 (NS9). Identifiers: Orphanet 648, MedGen C4225282, MONDO:0014691, OMIM 616559.

Allele frequency attached by ClinVar (database versions not stated): gnomAD exomes 0.00001 and 0.00002; ExAC 0.00002; TOPMed 0.00002.
gnomAD v4.1: 9 of 1,591,888 alleles (0.00057%); highest among the groups gnomAD compares: South Asian, 0.0023%; no homozygotes.

Submissions (5):

Labcorp Genetics (formerly Invitae), Labcorp
Classification: Uncertain significance for Noonan syndrome 9. Last evaluated: 2025-08-18. Review status: criteria provided, single submitter. Criteria: Invitae Variant Classification Sherloc (09022015). Collection method: clinical testing. Allele origin: germline.
Comment: This sequence change replaces proline, which is neutral and non-polar, with leucine, which is neutral and non-polar, at codon 799 of the SOS2 protein (p.Pro799Leu). This variant is present in population databases (rs773672997, gnomAD 0.01%). This variant has not been reported in the literature in individuals affected with SOS2-related conditions. ClinVar contains an entry for this variant (Variation ID: 567315). Invitae Evidence Modeling of protein sequence and biophysical properties (such as structural, functional, and spatial information, amino acid conservation, physicochemical variation, residue mobility, and thermodynamic stability) has been performed for this missense variant. However, the output from this modeling did not meet the statistical confidence thresholds required to predict the impact of this variant on SOS2 protein function. In summary, the available evidence is currently insufficient to determine the role of this variant in disease. Therefore, it has been classified as a Variant of Uncertain Significance.

Ambry Genetics
Classification: Uncertain significance for Cardiovascular phenotype. Last evaluated: 2024-11-30. Review status: criteria provided, single submitter. Criteria: Ambry Variant Classification Scheme 2023. Collection method: clinical testing. Allele origin: germline.
Comment: The p.P799L variant (also known as c.2396C>T), located in coding exon 15 of the SOS2 gene, results from a C to T substitution at nucleotide position 2396. The proline at codon 799 is replaced by leucine, an amino acid with similar properties. This amino acid position is conserved. In addition, this alteration is predicted to be deleterious by in silico analysis. Since supporting evidence is limited at this time, the clinical significance of this alteration remains unclear.

Blueprint Genetics
Classification: Uncertain significance. Last evaluated: 2024-03-14. Review status: criteria provided, single submitter. Criteria: ACMG Guidelines, 2015. Collection method: clinical testing. Allele origin: germline.

Genome-Nilou Lab
Classification: Uncertain significance for Noonan syndrome 9. Review status: criteria provided, single submitter. Criteria: ACMG Guidelines, 2015. Collection method: clinical testing. Allele origin: germline.

Molecular Genetics, Centre for Human Genetics
Classification: Uncertain significance for Noonan syndrome 1. Review status: no assertion criteria provided. Collection method: clinical testing. Allele origin: de novo. Inheritance: Autosomal dominant inheritance. Affected: yes. Observed: 1 variant allele. Not counted in ClinVar's aggregate classification.